The following is an entry in ClinVar:

NM_001042492.3(NF1):c.5924T>A (p.Leu1975His)

Gene: NF1 (neurofibromin 1; plus strand). Cytogenetic location: 17q11.2.
Variant type: single nucleotide variant.
Coding change: c.5924T>A on transcript NM_001042492.3 (MANE Select); coding-DNA position 5924, T replaced by A.
Protein change: p.Leu1975His; replaces leucine 1975 with histidine.
Molecular consequence: missense variant.
Genome position (GRCh38, 1-based): chr17:31,334,949, T>A. VCF-style: chr17-31334949-T-A. GRCh37 (hg19) VCF-style: chr17-29661967-T-A.
Other names: c.5861T>A, p.Leu1954His (NM_000267.4); short protein forms L1975H, L1954H.
Identifiers: ClinVar variation 826016 (VCV000826016.4), dbSNP rs1555534411, ClinGen allele CA399010798.

ClinVar aggregate classification (germline): Uncertain significance (1 of 4 stars; one submission).

Conditions:
Hereditary cancer-predisposing syndrome. Also called: Neoplastic Syndromes, Hereditary; Tumor predisposition; Hereditary neoplastic syndrome; Hereditary Cancer Syndrome. Identifiers: Orphanet 140162, MedGen C0027672, MeSH D009386, MONDO:0015356.
Cardiovascular phenotype. Identifiers: MedGen CN230736.

Submission:

Ambry Genetics
Classification: Uncertain significance for Cardiovascular phenotype; Hereditary cancer-predisposing syndrome. Last evaluated: 2019-12-04. Review status: criteria provided, single submitter. Criteria: Ambry Variant Classification Scheme 2023. Collection method: clinical testing. Allele origin: germline.
Comment: The p.L1954H variant (also known as c.5861T>A), located in coding exon 39 of the NF1 gene, results from a T to A substitution at nucleotide position 5861. The leucine at codon 1954 is replaced by histidine, an amino acid with similar properties. This amino acid position is highly conserved in available vertebrate species. In addition, this alteration is predicted to be deleterious by in silico analysis. Since supporting evidence is limited at this time, the clinical significance of this alteration remains unclear.